The following is an entry in ClinVar:

ClinVar aggregate classification (germline): Uncertain significance (1 of 4 stars; one submission).

Conditions:
Hereditary cancer-predisposing syndrome. Also called: Hereditary neoplastic syndrome; Neoplastic Syndromes, Hereditary; Tumor predisposition; Hereditary Cancer Syndrome. Identifiers: Orphanet 140162, MedGen C0027672, MeSH D009386, MONDO:0015356.

Submission:

Ambry Genetics
Classification: Uncertain significance for Hereditary cancer-predisposing syndrome. Last evaluated: 2025-08-27. Review status: criteria provided, single submitter. Criteria: Ambry Variant Classification Scheme 2023. Collection method: clinical testing. Allele origin: germline.
Comment: The p.L257V variant (also known as c.769C>G), located in coding exon 9 of the MUTYH gene, results from a C to G substitution at nucleotide position 769. The leucine at codon 257 is replaced by valine, an amino acid with highly similar properties. This amino acid position is conserved. In addition, this alteration is predicted to be tolerated by in silico analysis. Based on the available evidence, the clinical significance of this variant remains unclear.

NM_001048174.2(MUTYH):c.685C>G (p.Leu229Val)

Gene: MUTYH (mutY DNA glycosylase; minus strand). Cytogenetic location: 1p34.1.
Variant type: single nucleotide variant.
Coding change: c.685C>G on transcript NM_001048174.2 (MANE Select); coding-DNA position 685, C replaced by G.
Protein change: p.Leu229Val; replaces leucine 229 with valine.
Molecular consequence: missense variant. On other transcripts: non-coding transcript variant (7).
Genome position (GRCh38, 1-based): chr1:45,332,410, G>C on the plus strand (C>G on the coding strand, the complement: MUTYH is on the minus strand). VCF-style: chr1-45332410-G-C. GRCh37 (hg19) VCF-style: chr1-45798082-G-C.
Other names: c.685C>G, p.Leu229Val (NM_001407070.1, NM_001407072.1, NM_001407073.1 and 6 more transcripts); c.688C>G, p.Leu230Val (NM_001407071.1, NM_001407078.1, NM_001048172.2 and 1 more transcripts); c.601C>G, p.Leu201Val (NM_001407075.1); c.718C>G, p.Leu240Val (NM_001407077.1, NM_001293191.2, NM_001407069.1); c.646C>G, p.Leu216Val (NM_001407079.1); c.643C>G, p.Leu215Val (NM_001407080.1); c.769C>G, p.Leu257Val (NM_001128425.2); c.730C>G, p.Leu244Val (NM_001293190.2); and 5 more; short protein forms L114V, L240V, L137V, L244V, L201V, L230V, L243V, L257V.
Identifiers: ClinVar variation 4113823 (VCV004113823.1).
Genomic context (GRCh38, chr1:45,332,410, plus strand): 5'-GCAGACACCCCTGAAGCACCCTTGTTACCCCAACATCCTACCAGAGCTGCTGGGAAACAA[G>C]GGTGCTGCTGGGATCAGCACCAATGGCTCGGACACGGCACAGCACCCGTGCTACGTTGCC-3'
Protein context (NP_001041639.1, residues 219-239): RAIGADPSST[Leu229Val]VSQQLWGLAQ